The following is an entry in ClinVar:

ClinVar aggregate classification (germline): Uncertain significance (1 of 4 stars; one submission).

Conditions:
Hereditary cancer-predisposing syndrome. Also called: Neoplastic Syndromes, Hereditary; Tumor predisposition; Hereditary Cancer Syndrome; Hereditary neoplastic syndrome. Identifiers: Orphanet 140162, MedGen C0027672, MeSH D009386, MONDO:0015356.

Submission:

Ambry Genetics
Classification: Uncertain significance for Hereditary cancer-predisposing syndrome. Last evaluated: 2025-12-08. Review status: criteria provided, single submitter. Criteria: Ambry Variant Classification Scheme 2023. Collection method: clinical testing. Allele origin: germline.
Comment: The p.C286G variant (also known as c.856T>G), located in coding exon 8 of the FANCC gene, results from a T to G substitution at nucleotide position 856. The cysteine at codon 286 is replaced by glycine, an amino acid with highly dissimilar properties. This amino acid position is conserved. In addition, the in silico prediction for this alteration is inconclusive. Since supporting evidence is limited at this time, the clinical significance of this alteration remains unclear.

NM_000136.3(FANCC):c.856T>G (p.Cys286Gly)

Genes: AOPEP (aminopeptidase O (putative); plus strand), FANCC (FA complementation group C; minus strand). Cytogenetic location: 9q22.32.
Variant type: single nucleotide variant.
Coding change: c.856T>G on transcript NM_000136.3 (MANE Select); coding-DNA position 856, T replaced by G.
Protein change: p.Cys286Gly; replaces cysteine 286 with glycine.
Molecular consequence: missense variant.
Genome position (GRCh38, 1-based): chr9:95,126,569, A>C on the plus strand (T>G on the coding strand, the complement: FANCC is on the minus strand). VCF-style: chr9-95126569-A-C. GRCh37 (hg19) VCF-style: chr9-97888851-A-C.
Other names: c.856T>G, p.Cys286Gly (NM_001243743.2, NM_001243744.2); short protein forms C286G.
Identifiers: ClinVar variation 1763896 (VCV001763896.3), dbSNP rs2541177025, ClinGen allele CA374109131.